The following is an entry in ClinVar:

NM_017617.5(NOTCH1):c.6028A>T (p.Met2010Leu)

Genes: NOTCH1 (notch receptor 1; minus strand), LOC126860794 (BRD4-independent group 4 enhancer GRCh37_chr9:139392592-139393791; plus strand). Cytogenetic location: 9q34.3.
Variant type: single nucleotide variant.
Coding change: c.6028A>T on transcript NM_017617.5 (MANE Select); coding-DNA position 6028, A replaced by T.
Protein change: p.Met2010Leu; replaces methionine 2010 with leucine.
Molecular consequence: missense variant.
Genome position (GRCh38, 1-based): chr9:136,499,166, T>A on the plus strand (A>T on the coding strand, the complement: NOTCH1 is on the minus strand). VCF-style: chr9-136499166-T-A. GRCh37 (hg19) VCF-style: chr9-139393618-T-A.
Other names: c.6028A>T, p.Met2010Leu (LRG_1122t1); short protein forms M2010L.
Identifiers: ClinVar variation 426306 (VCV000426306.2), dbSNP rs1085307554, ClinGen allele CA375634452.
Genomic context (GRCh38, chr9:136,499,166, plus strand): 5'-GCTCACCCAGGTCATCTACGGCGTTGACGTCGGCGTGTGAGTTGATGAGGTCCTCCAGCA[T>A]GCCCTCCACGGCCAGGCGGGCAGCCAGGATCAGTGGCGTCGTGCCATCATGCATGCGGGC-3'
Protein context (NP_060087.3, residues 2000-2020): ILAARLAVEG[Met2010Leu]LEDLINSHAD

ClinVar aggregate classification (germline): Uncertain significance (1 of 4 stars; one submission).

Submission:

GeneDx
Classification: Uncertain significance. Last evaluated: 2017-04-20. Review status: criteria provided, single submitter. Criteria: GeneDx Variant Classification (06012015). Collection method: clinical testing. Allele origin: germline. Affected: yes.
Comment: A variant of uncertain significance has been identified in the NOTCH1 gene. The M2010L variant has not been published as a pathogenic variant, nor has it been reported as a benign variant to our knowledge. The M2010L variant is not observed in large population cohorts (Lek et al., 2016; 1000 Genomes Consortium et al., 2015; Exome Variant Server). This substitution occurs at a position that is conserved across species. In silico analysis predicts this variant is probably damaging to the protein structure/function. However, the M2010L variant is a conservative amino acid substitution, which is not likely to impact secondary protein structure as these residues share similar properties. Therefore, based on the currently available information, it is unclear whether this variant is a pathogenic variant or a rare benign variant.